The following is an entry in ClinVar:

ClinVar aggregate classification (germline): Uncertain significance. Review status: criteria provided, multiple submitters, no conflicts (2 of 4 stars). 3 submissions from 3 submitters: Uncertain significance (3). Last evaluated 2024-10-07.

Conditions:
Hereditary cancer-predisposing syndrome. Also called: Tumor predisposition; Neoplastic Syndromes, Hereditary; Hereditary neoplastic syndrome; Hereditary Cancer Syndrome. Identifiers: Orphanet 140162, MedGen C0027672, MeSH D009386, MONDO:0015356.
Hereditary breast ovarian cancer syndrome. Also called: Hereditary breast and/or ovarian cancer syndrome; Breast and ovarian cancer; Hereditary breast and ovarian cancer; BRCA1- and BRCA2-Associated Hereditary Breast and Ovarian Cancer; Hereditary breast and ovarian cancer syndrome; Hereditary breast and ovarian cancer syndrome (HBOC). Identifiers: Orphanet 145, MedGen C0677776, MeSH D061325, MONDO:0003582. Disease mechanism: loss of function.

gnomAD v4.1: 1 of 1,608,596 alleles (0.000062%); highest among the groups gnomAD compares: Non-Finnish European, 0.000085%; no homozygotes.

Submissions (3):

Labcorp Genetics (formerly Invitae), Labcorp
Classification: Uncertain significance for Hereditary breast ovarian cancer syndrome. Last evaluated: 2024-10-07. Review status: criteria provided, single submitter. Criteria: Invitae Variant Classification Sherloc (09022015). Collection method: clinical testing. Allele origin: germline.
Comment: This sequence change replaces glutamine, which is neutral and polar, with glutamic acid, which is acidic and polar, at codon 1395 of the BRCA1 protein (p.Gln1395Glu). This variant is not present in population databases (gnomAD no frequency). This variant has not been reported in the literature in individuals affected with BRCA1-related conditions. ClinVar contains an entry for this variant (Variation ID: 1513251). An algorithm developed to predict the effect of missense changes on protein structure and function (PolyPhen-2) suggests that this variant is likely to be tolerated. In summary, the available evidence is currently insufficient to determine the role of this variant in disease. Therefore, it has been classified as a Variant of Uncertain Significance.

Color Diagnostics, LLC DBA Color Health
Classification: Uncertain significance for Hereditary cancer-predisposing syndrome. Last evaluated: 2024-08-20. Review status: criteria provided, single submitter. Criteria: ACMG Guidelines, 2015. Collection method: clinical testing. Allele origin: germline.
Comment: This missense variant replaces glutamine with glutamic acid at codon 1395 of the BRCA1 protein. Computational prediction is inconclusive regarding the impact of this variant on protein structure and function. To our knowledge, functional studies have not been reported for this variant. This variant has not been reported in individuals affected with BRCA1-related disorders in the literature. This variant has not been identified in the general population by the Genome Aggregation Database (gnomAD). The available evidence is insufficient to determine the role of this variant in disease conclusively. Therefore, this variant is classified as a Variant of Uncertain Significance.

Ambry Genetics
Classification: Uncertain significance for Hereditary cancer-predisposing syndrome. Last evaluated: 2024-03-11. Review status: criteria provided, single submitter. Criteria: Ambry Variant Classification Scheme 2023. Collection method: clinical testing. Allele origin: germline.
Comment: The p.Q1395E variant (also known as c.4183C>G), located in coding exon 10 of the BRCA1 gene, results from a C to G substitution at nucleotide position 4183. The glutamine at codon 1395 is replaced by glutamic acid, an amino acid with highly similar properties. This amino acid position is highly conserved in available vertebrate species. In addition, this alteration is predicted to be deleterious by in silico analysis. Based on the available evidence, the clinical significance of this alteration remains unclear.

NM_007294.4(BRCA1):c.4183C>G (p.Gln1395Glu)

Gene: BRCA1 (BRCA1 DNA repair associated; minus strand). Cytogenetic location: 17q21.31.
Variant type: single nucleotide variant.
Coding change: c.4183C>G on transcript NM_007294.4 (MANE Select); coding-DNA position 4183, C replaced by G.
Protein change: p.Gln1395Glu; replaces glutamine 1395 with glutamic acid.
Molecular consequence: missense variant. On other transcripts: non-coding transcript variant (1).
Genome position (GRCh38, 1-based): chr17:43,090,946, G>C on the plus strand (C>G on the coding strand, the complement: BRCA1 is on the minus strand). VCF-style: chr17-43090946-G-C. GRCh37 (hg19) VCF-style: chr17-41242963-G-C.
Other names: c.4180C>G, p.Gln1394Glu (NM_001407591.1, NM_001407627.1, NM_001407628.1 and 22 more transcripts); c.4183C>G, p.Gln1395Glu (NM_001407593.1, NM_001407594.1, NM_001407596.1 and 30 more transcripts); c.4174C>G, p.Gln1392Glu (NM_001407646.1, NM_001407647.1); c.4060C>G, p.Gln1354Glu (NM_001407648.1, NM_001407664.1, NM_001407665.1 and 19 more transcripts); c.4102C>G, p.Gln1368Glu (NM_001407661.1, NM_001407662.1, NM_001407659.1 and 1 more transcripts); c.4105C>G, p.Gln1369Glu (NM_001407663.1, NM_001407653.1, NM_001407654.1 and 4 more transcripts); c.4057C>G, p.Gln1353Glu (NM_001407685.1, NM_001407686.1, NM_001407687.1 and 11 more transcripts); c.4042C>G, p.Gln1348Glu (NM_001407725.1, NM_001407726.1, NM_001407727.1 and 29 more transcripts); and 41 more; short protein forms Q292E, Q1348E, Q1395E, Q1347E, Q164E, Q181E, Q222E, Q266E.
Identifiers: ClinVar variation 1513251 (VCV001513251.13), dbSNP rs80357260, ClinGen allele CA10593358.